The following is an entry in ClinVar:

NM_199420.4(POLQ):c.403G>A (p.Glu135Lys)

Gene: POLQ (DNA polymerase theta; minus strand). Cytogenetic location: 3q13.33.
Variant type: single nucleotide variant.
Coding change: c.403G>A on transcript NM_199420.4 (MANE Select); coding-DNA position 403, G replaced by A.
Protein change: p.Glu135Lys; replaces glutamic acid 135 with lysine.
Molecular consequence: missense variant.
Genome position (GRCh38, 1-based): chr3:121,541,420, C>T on the plus strand (G>A on the coding strand, the complement: POLQ is on the minus strand). VCF-style: chr3-121541420-C-T. GRCh37 (hg19) VCF-style: chr3-121260267-C-T.
Other names: short protein forms E135K.
Identifiers: ClinVar variation 2449494 (VCV002449494.2), dbSNP rs1294608576, ClinGen allele CA354093158.

ClinVar aggregate classification (germline): Uncertain significance (1 of 4 stars; one submission).

Allele frequency attached by ClinVar (database versions not stated): TOPMed 0.00001.

Submission:

Ambry Genetics
Classification: Uncertain significance. Last evaluated: 2023-02-10. Review status: criteria provided, single submitter. Criteria: Ambry Variant Classification Scheme 2023. Collection method: clinical testing. Allele origin: germline.
Comment: The p.E135K variant (also known as c.403G>A), located in coding exon 3 of the POLQ gene, results from a G to A substitution at nucleotide position 403. The glutamic acid at codon 135 is replaced by lysine, an amino acid with similar properties. This amino acid position is conserved. In addition, this alteration is predicted to be tolerated by in silico analysis. Since supporting evidence is limited at this time, the clinical significance of this alteration remains unclear.